The following is an entry in ClinVar:

NM_006912.6(RIT1):c.151G>C (p.Asp51His)

Gene: RIT1 (Ras like without CAAX 1; minus strand). Cytogenetic location: 1q22.
Variant type: single nucleotide variant.
Coding change: c.151G>C on transcript NM_006912.6 (MANE Select); coding-DNA position 151, G replaced by C.
Protein change: p.Asp51His; replaces aspartic acid 51 with histidine.
Molecular consequence: missense variant.
Genome position (GRCh38, 1-based): chr1:155,910,462, C>G on the plus strand (G>C on the coding strand, the complement: RIT1 is on the minus strand). VCF-style: chr1-155910462-C-G. GRCh37 (hg19) VCF-style: chr1-155880253-C-G.
Other names: c.43G>C, p.Asp15His (NM_001256820.2); c.202G>C, p.Asp68His (NM_001256821.2); short protein forms D15H, D51H, D68H.
Identifiers: ClinVar variation 4863356 (VCV004863356.1).
Genomic context (GRCh38, chr1:155,910,462, plus strand): 5'-ATATTTTTATGGGGTATATTTGGAAACATAAGTGATGATCTGGCTTACCAATGGTGGGAT[C>G]ATGATCTTCTGGGAATCGGTGGCTGATGAACTGCATGGTCATGGCTTCAAAAGAAGAAAT-3'
Protein context (NP_008843.1, residues 41-61): FISHRFPEDH[Asp51His]PTIEDAYKIR

ClinVar aggregate classification (germline): Uncertain significance (1 of 4 stars; one submission).

Conditions:
Cardiovascular phenotype. Identifiers: MedGen CN230736.

Submission:

Ambry Genetics
Classification: Uncertain significance for Cardiovascular phenotype. Last evaluated: 2026-03-21. Review status: criteria provided, single submitter. Criteria: Ambry Variant Classification Scheme 2023. Collection method: clinical testing. Allele origin: germline.
Comment: The p.D51H variant (also known as c.151G>C), located in coding exon 2 of the RIT1 gene, results from a G to C substitution at nucleotide position 151. The aspartic acid at codon 51 is replaced by histidine, an amino acid with similar properties. This amino acid position is conserved. In addition, the in silico prediction for this alteration is inconclusive. Based on the available evidence, the clinical significance of this variant remains unclear.